The following is an entry in ClinVar:

ClinVar aggregate classification (germline): Conflicting classifications of pathogenicity. Review status: criteria provided, conflicting classifications (1 of 4 stars). 4 submissions from 4 submitters: Uncertain significance (3); Likely benign (1). Last evaluated 2025-01-07.

Conditions:
Inborn genetic diseases. Identifiers: MedGen C0950123, MeSH D030342.
Muscular dystrophy-dystroglycanopathy (congenital with brain and eye anomalies), type a, 12 (MDDGA12). Also called: WALKER-WARBURG SYNDROME OR MUSCLE-EYE-BRAIN DISEASE, POMK-RELATED. Identifiers: Orphanet 899, MedGen C3808964, MONDO:0014101, OMIM 615249.
Limb-girdle muscular dystrophy due to POMK deficiency. Also called: MUSCULAR DYSTROPHY-DYSTROGLYCANOPATHY, LIMB-GIRDLE, POMK-RELATED; Muscular dystrophy-dystroglycanopathy (limb-girdle), type c, 12. Identifiers: Orphanet 445110, MedGen C4015184, MONDO:0014489, OMIM 616094.

Allele frequency attached by ClinVar (database versions not stated): gnomAD exomes 0.00005; ExAC 0.00006; TOPMed 0.00006; gnomAD 0.00007 and 0.00009.
gnomAD v4.1: 103 of 1,612,760 alleles (0.0064%); highest among the groups gnomAD compares: Middle Eastern, 0.083%; 1 homozygote.

Submissions (4):

Ambry Genetics
Classification: Likely benign for Inborn genetic diseases. Last evaluated: 2025-01-07. Review status: criteria provided, single submitter. Criteria: Ambry Variant Classification Scheme 2023. Collection method: clinical testing. Allele origin: germline.

CeGaT Center for Human Genetics Tuebingen
Classification: Uncertain significance. Last evaluated: 2024-12-01. Review status: criteria provided, single submitter. Criteria: CeGaT Center For Human Genetics Tuebingen Variant Classification Criteria Version 2. Collection method: clinical testing. Allele origin: germline. Affected: yes. Observed: 2 variant alleles.
Comment: POMK: PM2, BP4

Labcorp Genetics (formerly Invitae), Labcorp
Classification: Uncertain significance for Muscular dystrophy-dystroglycanopathy (congenital with brain and eye anomalies), type a, 12; Limb-girdle muscular dystrophy due to POMK deficiency. Last evaluated: 2022-06-27. Review status: criteria provided, single submitter. Criteria: Invitae Variant Classification Sherloc (09022015). Collection method: clinical testing. Allele origin: germline.
Comment: This sequence change replaces methionine, which is neutral and non-polar, with valine, which is neutral and non-polar, at codon 342 of the POMK protein (p.Met342Val). This variant is present in population databases (rs762404960, gnomAD 0.01%). This variant has not been reported in the literature in individuals affected with POMK-related conditions. ClinVar contains an entry for this variant (Variation ID: 541242). Algorithms developed to predict the effect of missense changes on protein structure and function output the following: SIFT: "Tolerated"; PolyPhen-2: "Benign"; Align-GVGD: "Class C0". The valine amino acid residue is found in multiple mammalian species, which suggests that this missense change does not adversely affect protein function. In summary, the available evidence is currently insufficient to determine the role of this variant in disease. Therefore, it has been classified as a Variant of Uncertain Significance.

Revvity Omics, Revvity
Classification: Uncertain significance. Last evaluated: 2020-08-12. Review status: criteria provided, single submitter. Criteria: ACMG Guidelines, 2015. Collection method: clinical testing. Allele origin: germline.

NM_032237.5(POMK):c.1024A>G (p.Met342Val)

Gene: POMK (protein O-mannose kinase; plus strand). Cytogenetic location: 8p11.21.
Variant type: single nucleotide variant.
Coding change: c.1024A>G on transcript NM_032237.5 (MANE Select); coding-DNA position 1024, A replaced by G.
Protein change: p.Met342Val; replaces methionine 342 with valine.
Molecular consequence: missense variant.
Genome position (GRCh38, 1-based): chr8:43,122,848, A>G. VCF-style: chr8-43122848-A-G. GRCh37 (hg19) VCF-style: chr8-42977991-A-G.
Other names: c.1024A>G, p.Met342Val (NM_001277971.2); c.1024A>G (NM_032237.3); short protein forms M342V.
Identifiers: ClinVar variation 541242 (VCV000541242.30), dbSNP rs762404960, ClinGen allele CA4736396.